The following is an entry in ClinVar:

ClinVar aggregate classification (germline): Uncertain significance (1 of 4 stars; one submission).

gnomAD v4.1: 2 of 1,613,582 alleles (0.00012%); highest among the groups gnomAD compares: African/African-American, 0.0013%; no homozygotes.

Submission:

Labcorp Genetics (formerly Invitae), Labcorp
Classification: Uncertain significance. Last evaluated: 2024-11-02. Review status: criteria provided, single submitter. Criteria: Invitae Variant Classification Sherloc (09022015). Collection method: clinical testing. Allele origin: germline.
Comment: This sequence change replaces threonine, which is neutral and polar, with asparagine, which is neutral and polar, at codon 1048 of the AEBP1 protein (p.Thr1048Asn). This variant is not present in population databases (gnomAD no frequency). This variant has not been reported in the literature in individuals affected with AEBP1-related conditions. An algorithm developed to predict the effect of missense changes on protein structure and function (PolyPhen-2) suggests that this variant is likely to be tolerated. In summary, the available evidence is currently insufficient to determine the role of this variant in disease. Therefore, it has been classified as a Variant of Uncertain Significance.

NM_001129.5(AEBP1):c.3143C>A (p.Thr1048Asn)

Gene: AEBP1 (AE binding protein 1; plus strand). Cytogenetic location: 7p13.
Variant type: single nucleotide variant.
Coding change: c.3143C>A on transcript NM_001129.5 (MANE Select); coding-DNA position 3143, C replaced by A.
Protein change: p.Thr1048Asn; replaces threonine 1048 with asparagine.
Molecular consequence: missense variant.
Genome position (GRCh38, 1-based): chr7:44,113,927, C>A. VCF-style: chr7-44113927-C-A. GRCh37 (hg19) VCF-style: chr7-44153526-C-A.
Other names: short protein forms T1048N.
Identifiers: ClinVar variation 3717871 (VCV003717871.2).